The following is an entry in ClinVar:

NM_002458.3(MUC5B):c.11532C>T (p.Thr3844=)

Genes: MUC5B (mucin 5B, oligomeric mucus/gel-forming; plus strand), MUC5B-AS1 (MUC5B antisense RNA 1; minus strand). Cytogenetic location: 11p15.5.
Variant type: single nucleotide variant.
Coding change: c.11532C>T on transcript NM_002458.3 (MANE Select); coding-DNA position 11532, C replaced by T.
Protein change: p.Thr3844=; no amino-acid change (threonine 3844 retained).
Molecular consequence: synonymous variant.
Genome position (GRCh38, 1-based): chr11:1,248,412, C>T. VCF-style: chr11-1248412-C-T. GRCh37 (hg19) VCF-style: chr11-1269642-C-T.
Identifiers: ClinVar variation 3388553 (VCV003388553.14).

ClinVar aggregate classification (germline): Likely benign (1 of 4 stars; one submission).

gnomAD v4.1: 168 of 1,612,072 alleles (0.01%); highest among the groups gnomAD compares: South Asian, 0.013%; 6 homozygotes.

Submission:

CeGaT Center for Human Genetics Tuebingen
Classification: Likely benign. Last evaluated: 2026-07-01. Review status: criteria provided, single submitter. Criteria: CeGaT Center For Human Genetics Tuebingen Variant Classification Criteria Version 2. Collection method: clinical testing. Allele origin: germline. Affected: yes. Observed: 3 variant alleles.
Comment: MUC5B: BP4, BP7